The following is an entry in ClinVar:

NM_004714.3(DYRK1B):c.950A>G (p.Asn317Ser)

Gene: DYRK1B (dual specificity tyrosine phosphorylation regulated kinase 1B; minus strand). Cytogenetic location: 19q13.2.
Variant type: single nucleotide variant.
Coding change: c.950A>G on transcript NM_004714.3 (MANE Select); coding-DNA position 950, A replaced by G.
Protein change: p.Asn317Ser; replaces asparagine 317 with serine.
Molecular consequence: missense variant.
Genome position (GRCh38, 1-based): chr19:39,827,514, T>C on the plus strand (A>G on the coding strand, the complement: DYRK1B is on the minus strand). VCF-style: chr19-39827514-T-C. GRCh37 (hg19) VCF-style: chr19-40318154-T-C.
Other names: c.950A>G, p.Asn317Ser (NM_006483.3, NM_006484.3); short protein forms N317S.
Identifiers: ClinVar variation 4983772 (VCV004983772.1).

ClinVar aggregate classification (germline): Uncertain significance (1 of 4 stars; one submission).

Conditions:
DYRK1B-related disorder. Also called: DYRK1B-related condition.

gnomAD v4.1: 3 of 1,613,796 alleles (0.00019%); highest among the groups gnomAD compares: East Asian, 0.0045%; no homozygotes.

Submission:

PreventionGenetics, part of Exact Sciences
Classification: Uncertain significance for DYRK1B-related condition. Last evaluated: 2025-03-03. Review status: criteria provided, single submitter. Criteria: ACMG Guidelines, 2015. Collection method: clinical testing. Allele origin: germline.
Comment: The DYRK1B c.950A>G variant is predicted to result in the amino acid substitution p.Asn317Ser. To our knowledge, this variant has not been reported in the literature or in a large population database, indicating this variant is rare. At this time, the clinical significance of this variant is uncertain due to the absence of conclusive functional and genetic evidence.